The following is an entry in ClinVar:

NM_000443.4(ABCB4):c.1171A>G (p.Lys391Glu)

Gene: ABCB4 (ATP binding cassette subfamily B member 4; minus strand). Cytogenetic location: 7q21.12.
Variant type: single nucleotide variant.
Coding change: c.1171A>G on transcript NM_000443.4 (MANE Select); coding-DNA position 1171, A replaced by G.
Protein change: p.Lys391Glu; replaces lysine 391 with glutamic acid.
Molecular consequence: missense variant.
Genome position (GRCh38, 1-based): chr7:87,443,722, T>C on the plus strand (A>G on the coding strand, the complement: ABCB4 is on the minus strand). VCF-style: chr7-87443722-T-C. GRCh37 (hg19) VCF-style: chr7-87073038-T-C.
Other names: c.1171A>G, p.Lys391Glu (NM_018849.3, NM_018850.3); short protein forms K391E.
Identifiers: ClinVar variation 4846520 (VCV004846520.1).

ClinVar aggregate classification (germline): Uncertain significance (1 of 4 stars; one submission).

Conditions:
Familial intrahepatic cholestasis. Identifiers: Orphanet 284385, MedGen CN296401, MONDO:0017290.
Low phospholipid associated cholelithiasis (GBD1). Also called: Gallbladder disease 1; Gallstone cholecystitis. Identifiers: Orphanet 69663, MedGen C2609268, MONDO:0010939, OMIM 600803.

gnomAD v4.1: 12 of 1,613,928 alleles (0.00074%); highest among the groups gnomAD compares: South Asian, 0.013%; no homozygotes.

Submission:

Genomenon, Inc
Classification: Uncertain significance for Familial intrahepatic cholestasis; Low phospholipid associated cholelithiasis. Last evaluated: 2026-04-14. Review status: criteria provided, single submitter. Criteria: Genomenon Sequence Variant Interpretation Standards - Updated. Collection method: curation. Allele origin: germline. Affected: no.
Comment: ABCB4 p.Lys391Glu (c.1171A>G) is a missense variant that changes the amino acid at residue 391 from Lysine to Glutamic acid. This variant has been reported in the published literature (PMID:37208429). It is absent or not present at a significant frequency in gnomAD. In conclusion, we classify ABCB4 p.Lys391Glu (c.1171A>G) as a variant of uncertain significance.

Literature cited by the submitters: PubMed 37208429.